The following is an entry in ClinVar:

ClinVar aggregate classification (germline): Uncertain significance (1 of 4 stars; one submission).

Conditions:
Focal segmental glomerulosclerosis 5 (FSGS5). Identifiers: Orphanet 656, MedGen C2750475, MONDO:0013191, OMIM 613237.
Charcot-Marie-Tooth disease dominant intermediate E. Also called: CHARCOT-MARIE-TOOTH NEUROPATHY WITH FOCAL SEGMENTAL GLOMERULONEPHRITIS. Identifiers: Orphanet 93114, MedGen C4302667, MONDO:0013758, OMIM 614455.

Submission:

Labcorp Genetics (formerly Invitae), Labcorp
Classification: Uncertain significance for Charcot-Marie-Tooth disease dominant intermediate E; Focal segmental glomerulosclerosis 5. Last evaluated: 2024-02-24. Review status: criteria provided, single submitter. Criteria: Invitae Variant Classification Sherloc (09022015). Collection method: clinical testing. Allele origin: germline.
Comment: This sequence change replaces aspartic acid, which is acidic and polar, with glycine, which is neutral and non-polar, at codon 591 of the INF2 protein (p.Asp591Gly). This variant is not present in population databases (gnomAD no frequency). This variant has not been reported in the literature in individuals affected with INF2-related conditions. Advanced modeling of protein sequence and biophysical properties (such as structural, functional, and spatial information, amino acid conservation, physicochemical variation, residue mobility, and thermodynamic stability) performed at Invitae indicates that this missense variant is not expected to disrupt INF2 protein function with a negative predictive value of 95%. In summary, the available evidence is currently insufficient to determine the role of this variant in disease. Therefore, it has been classified as a Variant of Uncertain Significance.

NM_022489.4(INF2):c.1772A>G (p.Asp591Gly)

Gene: INF2 (inverted formin 2; plus strand). Cytogenetic location: 14q32.33.
Variant type: single nucleotide variant.
Coding change: c.1772A>G on transcript NM_022489.4 (MANE Select); coding-DNA position 1772, A replaced by G.
Protein change: p.Asp591Gly; replaces aspartic acid 591 with glycine.
Molecular consequence: missense variant. On other transcripts: non-coding transcript variant (1).
Genome position (GRCh38, 1-based): chr14:104,708,472, A>G. VCF-style: chr14-104708472-A-G. GRCh37 (hg19) VCF-style: chr14-105174809-A-G.
Other names: c.1772A>G, p.Asp591Gly (NM_001031714.4, NM_001426862.1, NM_001426863.1 and 2 more transcripts); short protein forms D591G.
Identifiers: ClinVar variation 3751408 (VCV003751408.2).